The following is an entry in ClinVar:

NM_000051.4(ATM):c.8015A>C (p.Asp2672Ala)

Genes: ATM (ATM serine/threonine kinase; plus strand), C11orf65 (chromosome 11 open reading frame 65; minus strand). Cytogenetic location: 11q22.3.
Variant type: single nucleotide variant.
Coding change: c.8015A>C on transcript NM_000051.4 (MANE Select); coding-DNA position 8015, A replaced by C.
Protein change: p.Asp2672Ala; replaces aspartic acid 2672 with alanine.
Molecular consequence: missense variant. On other transcripts: intron variant (2).
Genome position (GRCh38, 1-based): chr11:108,334,973, A>C. VCF-style: chr11-108334973-A-C. GRCh37 (hg19) VCF-style: chr11-108205700-A-C.
Other names: p.Asp2672Ala; c.8015A>C, p.Asp2672Ala (NM_001351834.2); c.641-25902T>G (NM_001330368.2); c.*38+247T>G (NM_001351110.2); short protein forms D2672A.
Identifiers: ClinVar variation 231524 (VCV000231524.26), dbSNP rs763161651, ClinGen allele CA6266266.

ClinVar aggregate classification (germline): Uncertain significance. Review status: criteria provided, multiple submitters, no conflicts (2 of 4 stars). 9 submissions from 9 submitters: Uncertain significance (8). 1 of the submissions does not count toward it. Last evaluated 2025-12-10.

Conditions:
Breast and/or ovarian cancer. Identifiers: MedGen CN221562.
Hereditary cancer-predisposing syndrome. Also called: Neoplastic Syndromes, Hereditary; Hereditary neoplastic syndrome; Tumor predisposition; Hereditary Cancer Syndrome. Identifiers: Orphanet 140162, MedGen C0027672, MeSH D009386, MONDO:0015356.
Malignant tumor of breast. Also called: Malignant breast neoplasm; Cancer breast. Identifiers: MedGen C0006142, MONDO:0007254. Disease mechanism: loss of function.
Familial cancer of breast. Also called: hereditary breast carcinoma; Hereditary breast cancer; BREAST CANCER, FAMILIAL. Identifiers: Orphanet 227535, MedGen C0346153, MONDO:0016419, OMIM 114480. Disease mechanism: loss of function.
Ataxia-telangiectasia syndrome (AT). Also called: Ataxia telangiectasia (A-T); Cerebello-oculocutaneous telangiectasia; Immunodeficiency with ataxia telangiectasia; LOUIS-BAR SYNDROME; AT, COMPLEMENTATION GROUP C; ATAXIA-TELANGIECTASIA, FRESNO VARIANT. Identifiers: Orphanet 100, MedGen C0004135, MONDO:0008840, OMIM 208900.

Allele frequency attached by ClinVar (database versions not stated): ExAC 0.00001; gnomAD exomes below 0.00001 and 0.00002; TOPMed 0.00001.
gnomAD v4.1: 28 of 1,612,812 alleles (0.0017%); highest among the groups gnomAD compares: East Asian, 0.0022%; no homozygotes.

Submissions (9):

Color Diagnostics, LLC DBA Color Health
Classification: Uncertain significance for Hereditary cancer-predisposing syndrome. Last evaluated: 2025-12-10. Review status: criteria provided, single submitter. Criteria: ACMG Guidelines, 2015. Collection method: clinical testing. Allele origin: germline.
Comment: This missense variant replaces aspartic acid with alanine at codon 2672 of the ATM protein. Computational prediction suggests that this variant may have deleterious impact on protein structure and function. To our knowledge, functional studies have not been reported for this variant. This variant has been detected in a breast cancer case-control meta-analysis in 1/60466 cases and absent in 53461 unaffected individuals (PMID: 33471991LOVD DB-ID ATM_002901). This variant has been detected in 1 individual older than age 70 years who has never had cancer (FLOSSIES database). This variant has been identified in 28/1612812 chromosomes in the general population by the Genome Aggregation Database (gnomAD). The available evidence is insufficient to determine the role of this variant in disease conclusively. Therefore, this variant is classified as a Variant of Uncertain Significance.

Labcorp Genetics (formerly Invitae), Labcorp
Classification: Uncertain significance for Ataxia-telangiectasia syndrome. Last evaluated: 2025-11-24. Review status: criteria provided, single submitter. Criteria: Invitae Variant Classification Sherloc (09022015). Collection method: clinical testing. Allele origin: germline.
Comment: This sequence change replaces aspartic acid, which is acidic and polar, with alanine, which is neutral and non-polar, at codon 2672 of the ATM protein (p.Asp2672Ala). This variant is present in population databases (rs763161651, gnomAD 0.0009%). This missense change has been observed in individual(s) with breast cancer (PMID: 28652578, 28779002, 29522266, 32885271, 34326862). ClinVar contains an entry for this variant (Variation ID: 231524). Invitae Evidence Modeling of protein sequence and biophysical properties (such as structural, functional, and spatial information, amino acid conservation, physicochemical variation, residue mobility, and thermodynamic stability) has been performed for this missense variant. However, the output from this modeling did not meet the statistical confidence thresholds required to predict the impact of this variant on ATM protein function. In summary, the available evidence is currently insufficient to determine the role of this variant in disease. Therefore, it has been classified as a Variant of Uncertain Significance.

Mayo Clinic Laboratories, Mayo Clinic
Classification: Uncertain significance. Last evaluated: 2025-02-22. Review status: criteria provided, single submitter. Criteria: ACMG Guidelines, 2015. Collection method: clinical testing. Allele origin: germline. Observed: 1 variant allele.
Comment: PP3, PM2_supporting

Quest Diagnostics Nichols Institute San Juan Capistrano
Classification: Uncertain significance. Last evaluated: 2024-09-02. Review status: criteria provided, single submitter. Criteria: Quest Diagnostics criteria. Collection method: clinical testing. Allele origin: unknown.
Comment: The ATM c.8015A>C (p.Asp2672Ala) variant has been reported in the published literature in individuals with breast cancer (PMIDs: 28779002 (2017), 29522266 (2018), 32885271 (2021), 33471991 (2021), 34326862 (2021), 35884425 (2022)) and uterine cancer (PMID: 34326862 (2021)), as well as in reportedly healthy individuals (PMID: 28652578 (2017)). The frequency of this variant in the general population, 0.000032 (1/30930 chromosomes (Genome Aggregation Database)), is uninformative in the assessment of its pathogenicity. Analysis of this variant using bioinformatics tools for the prediction of the effect of amino acid changes on protein structure and function yielded predictions that this variant is damaging. Based on the available information, we are unable to determine the clinical significance of this variant.

Ambry Genetics
Classification: Uncertain significance for Hereditary cancer-predisposing syndrome. Last evaluated: 2024-03-26. Review status: criteria provided, single submitter. Criteria: Ambry Variant Classification Scheme 2023. Collection method: clinical testing. Allele origin: germline.
Comment: The p.D2672A variant (also known as c.8015A>C), located in coding exon 54 of the ATM gene, results from an A to C substitution at nucleotide position 8015. The aspartic acid at codon 2672 is replaced by alanine, an amino acid with dissimilar properties. This variant was identified in a patient with breast cancer as part of a large Canadian cohort study of 2870 individuals (Bhai P et al. Front Genet, 2021 Jul;12:698595). This alteration was also detected in multiple high risk breast and ovarian cancer patients (Decker B et al. J Med Genet, 2017 11;54:732-741; Hauke J et al. Cancer Med, 2018 04;7:1349-1358; Lerner-Ellis J et al. J Cancer Res Clin Oncol, 2021 Mar;147:871-879). In one study, this alteration was not identified in 516 chronic lymphocytic leukemia patients of European descent but detected in 1/8920 ethnically matched normal controls (Tiao G et al. Leukemia, 2017 10;31:2244-2247). This amino acid position is highly conserved in available vertebrate species. In addition, this alteration is predicted to be deleterious by in silico analysis. Since supporting evidence is limited at this time, the clinical significance of this alteration remains unclear.

Baylor Genetics
Classification: Uncertain significance for Familial cancer of breast. Last evaluated: 2023-06-02. Review status: criteria provided, single submitter. Criteria: ACMG Guidelines, 2015. Collection method: clinical testing. Allele origin: unknown.

CHEO Genetics Diagnostic Laboratory, Children's Hospital of Eastern Ontario
Classification: Uncertain significance for Breast and/or ovarian cancer. Last evaluated: 2022-09-12. Review status: criteria provided, single submitter. Criteria: ACMG Guidelines, 2015. Collection method: clinical testing. Allele origin: germline.

GeneDx
Classification: Uncertain significance. Last evaluated: 2021-03-01. Review status: criteria provided, single submitter. Criteria: GeneDx Variant Classification Process June 2021. Collection method: clinical testing. Allele origin: germline. Affected: yes.
Comment: Not observed at a significant frequency in large population cohorts (Lek et al., 2016); In silico analysis supports that this missense variant has a deleterious effect on protein structure/function; Observed in a BRCA1/2-negative individual with breast cancer (Hauke 2018); This variant is associated with the following publications: (PMID: 29522266)

Department of Pathology and Laboratory Medicine, Sinai Health System
Classification: Uncertain significance for Malignant tumor of breast. Review status: no assertion criteria provided. Collection method: clinical testing. Allele origin: unknown. Affected: yes. Study: The Canadian Open Genetics Repository (COGR). Not counted in ClinVar's aggregate classification.
Comment: The ATM p.Asp2672Ala variant was not identified in the literature nor was it identified in the GeneInsight-COGR, Cosmic, MutDB, LOVD 3.0, databases. The variant was identified in dbSNP (ID: rs763161651) as â€šÃ„ÃºWith Uncertain significance alleleâ€šÃ„Ã¹, in ClinVar (classified as uncertain significance by Ambry Genetics, GeneDx, Invitae, Color Genomics), and in Clinvitae databases. The variant was identified in control databases in 1 of 245980 chromosomes at a frequency of 0.000004 (Genome Aggregation Database Feb 27, 2017). The variant was observed in the European population in 1 of 111484 chromosomes (freq: 0.00001), while the variant was not observed in the African, Other, Latino, Ashkenazi Jewish, East Asian, Finnish, and South Asian populations. The p.Asp2672 residue is conserved across mammals and other organisms, and computational analyses (PolyPhen-2, SIFT, AlignGVGD, BLOSUM, MutationTaster) suggest that the variant may impact the protein; however, this information is not predictive enough to assume pathogenicity. The variant occurs outside of the splicing consensus sequence and 2 of 5 in silico or computational prediction software programs (SpliceSiteFinder, MaxEntScan, NNSPLICE, GeneSplicer, HumanSpliceFinder) predict a greater than 10% difference in splicing; this is not very predictive of pathogenicity. In summary, based on the above information, the clinical significance of this variant cannot be determined with certainty at this time. This variant is classified as a variant of uncertain significance.

Literature cited by the submitters: PubMed 33471991 (cited by Color Diagnostics, LLC DBA Color Health and Quest Diagnostics Nichols Institute San Juan Capistrano); PubMed 28652578 (cited by 3 submitters); PubMed 28779002 (cited by 3 submitters); PubMed 29522266 (cited by 3 submitters); PubMed 32885271 (cited by 3 submitters); PubMed 34326862 (cited by 3 submitters); PubMed 35884425 (cited by Quest Diagnostics Nichols Institute San Juan Capistrano); PubMed 38489015 (cited by Quest Diagnostics Nichols Institute San Juan Capistrano).